The following is an entry in ClinVar:

NM_152564.5(VPS13B):c.910A>G (p.Asn304Asp)

Gene: VPS13B (vacuolar protein sorting 13 homolog B; plus strand). Cytogenetic location: 8q22.2.
Variant type: single nucleotide variant.
Coding change: c.910A>G on transcript NM_152564.5 (MANE Select); coding-DNA position 910, A replaced by G.
Protein change: p.Asn304Asp; replaces asparagine 304 with aspartic acid.
Molecular consequence: missense variant. On other transcripts: non-coding transcript variant (1).
Genome position (GRCh38, 1-based): chr8:99,115,847, A>G. VCF-style: chr8-99115847-A-G. GRCh37 (hg19) VCF-style: chr8-100128075-A-G.
Other names: c.910A>G, p.Asn304Asp (NM_015243.3, NM_017890.5, NM_181661.3); short protein forms N304D.
Identifiers: ClinVar variation 991205 (VCV000991205.4), dbSNP rs1320309593, ClinGen allele CA371860674.

ClinVar aggregate classification (germline): Uncertain significance. Review status: criteria provided, single submitter (1 of 4 stars). 2 submissions from 2 submitters: Uncertain significance (1). 1 of the submissions does not count toward it. Last evaluated 2022-07-26.

Conditions:
Cohen syndrome (COH1). Also called: Cutis verticis gyrata, retinitis pigmentosa, and sensorineural deafness; PEPPER SYNDROME. Identifiers: Orphanet 193, MedGen C0265223, MONDO:0008999, OMIM 216550.

Allele frequency attached by ClinVar (database versions not stated): gnomAD 0.00001 and 0.00002; gnomAD exomes 0.00001; TOPMed 0.00001.
gnomAD v4.1: 12 of 1,613,550 alleles (0.00074%); highest among the groups gnomAD compares: East Asian, 0.018%; no homozygotes.

Submissions (2):

Labcorp Genetics (formerly Invitae), Labcorp
Classification: Uncertain significance for Cohen syndrome. Last evaluated: 2022-07-26. Review status: criteria provided, single submitter. Criteria: Invitae Variant Classification Sherloc (09022015). Collection method: clinical testing. Allele origin: germline.
Comment: This sequence change replaces asparagine, which is neutral and polar, with aspartic acid, which is acidic and polar, at codon 304 of the VPS13B protein (p.Asn304Asp). This variant is present in population databases (no rsID available, gnomAD 0.03%). This variant has not been reported in the literature in individuals affected with VPS13B-related conditions. ClinVar contains an entry for this variant (Variation ID: 991205). Algorithms developed to predict the effect of missense changes on protein structure and function output the following: SIFT: "Not Available"; PolyPhen-2: "Benign"; Align-GVGD: "Not Available". The aspartic acid amino acid residue is found in multiple mammalian species, which suggests that this missense change does not adversely affect protein function. In summary, the available evidence is currently insufficient to determine the role of this variant in disease. Therefore, it has been classified as a Variant of Uncertain Significance.

Natera, Inc.
Classification: Uncertain significance for Cohen syndrome. Last evaluated: 2020-05-13. Review status: no assertion criteria provided. Collection method: clinical testing. Allele origin: germline. Not counted in ClinVar's aggregate classification.